The following is an entry in ClinVar:

NM_005236.3(ERCC4):c.2455A>G (p.Ser819Gly)

Gene: ERCC4 (ERCC excision repair 4, endonuclease catalytic subunit; plus strand). Cytogenetic location: 16p13.12.
Variant type: single nucleotide variant.
Coding change: c.2455A>G on transcript NM_005236.3 (MANE Select); coding-DNA position 2455, A replaced by G.
Protein change: p.Ser819Gly; replaces serine 819 with glycine.
Molecular consequence: missense variant.
Genome position (GRCh38, 1-based): chr16:13,948,051, A>G. VCF-style: chr16-13948051-A-G. GRCh37 (hg19) VCF-style: chr16-14041908-A-G.
Other names: short protein forms S819G.
Identifiers: ClinVar variation 4794102 (VCV004794102.1).

ClinVar aggregate classification (germline): Uncertain significance (1 of 4 stars; one submission).

Conditions:
Cockayne syndrome. Identifiers: Orphanet 191, MedGen C0009207, MONDO:0016006.
Fanconi anemia complementation group Q. Identifiers: Orphanet 84, MedGen C3808988, MONDO:0014108, OMIM 615272.
Xeroderma pigmentosum, group F (XPF). Also called: XERODERMA PIGMENTOSUM VI; XP, GROUP F; XERODERMA PIGMENTOSUM, TYPE F; Xeroderma pigmentosum, type 6; ERCC4-Related Xeroderma Pigmentosum; XERODERMA PIGMENTOSUM, COMPLEMENTATION GROUP F. Identifiers: MedGen C0268140, MONDO:0010215, OMIM 278760.

gnomAD v4.1: 10 of 1,614,190 alleles (0.00062%); highest among the groups gnomAD compares: Non-Finnish European, 0.00085%; no homozygotes.

Submission:

Labcorp Genetics (formerly Invitae), Labcorp
Classification: Uncertain significance for Fanconi anemia complementation group Q; Xeroderma pigmentosum, group F; Cockayne syndrome. Last evaluated: 2025-03-19. Review status: criteria provided, single submitter. Criteria: Invitae Variant Classification Sherloc (09022015). Collection method: clinical testing. Allele origin: germline.
Comment: This sequence change replaces serine, which is neutral and polar, with glycine, which is neutral and non-polar, at codon 819 of the ERCC4 protein (p.Ser819Gly). This variant is not present in population databases (gnomAD no frequency). This variant has not been reported in the literature in individuals affected with ERCC4-related conditions. Invitae Evidence Modeling of protein sequence and biophysical properties (such as structural, functional, and spatial information, amino acid conservation, physicochemical variation, residue mobility, and thermodynamic stability) indicates that this missense variant is not expected to disrupt ERCC4 protein function with a negative predictive value of 80%. In summary, the available evidence is currently insufficient to determine the role of this variant in disease. Therefore, it has been classified as a Variant of Uncertain Significance.